The following is an entry in ClinVar:

ClinVar aggregate classification (germline): Likely pathogenic (1 of 4 stars; one submission).

Conditions:
Primary ciliary dyskinesia 30. Also called: CILIARY DYSKINESIA, PRIMARY, 30, WITH OR WITHOUT SITUS INVERSUS. Identifiers: Orphanet 244, MedGen C4015016, MONDO:0014465, OMIM 616037.

Submission:

Labcorp Genetics (formerly Invitae), Labcorp
Classification: Likely pathogenic for Primary ciliary dyskinesia 30. Last evaluated: 2023-12-15. Review status: criteria provided, single submitter. Criteria: Invitae Variant Classification Sherloc (09022015). Collection method: clinical testing. Allele origin: germline.
Comment: This sequence change falls in intron 1 of the CCDC151 gene. It does not directly change the encoded amino acid sequence of the CCDC151 protein. It affects a nucleotide within the consensus splice site. This variant is not present in population databases (gnomAD no frequency). This variant has been observed in individual(s) with clinical features of primary ciliary dyskinesia (Invitae). Variants that disrupt the consensus splice site are a relatively common cause of aberrant splicing (PMID: 17576681, 9536098). Algorithms developed to predict the effect of sequence changes on RNA splicing suggest that this variant may disrupt the consensus splice site. In summary, the currently available evidence indicates that the variant is pathogenic, but additional data are needed to prove that conclusively. Therefore, this variant has been classified as Likely Pathogenic.

Literature cited by the submitters: PubMed 17576681; PubMed 9536098.

NM_145045.5(ODAD3):c.244+5G>T

Gene: ODAD3 (outer dynein arm docking complex subunit 3; minus strand). Cytogenetic location: 19p13.2.
Variant type: single nucleotide variant.
Coding change: c.244+5G>T on transcript NM_145045.5 (MANE Select); 5 bases into the intron after coding-DNA position 244, G replaced by T.
Molecular consequence: intron variant.
Genome position (GRCh38, 1-based): chr19:11,434,768, C>A on the plus strand (G>T on the coding strand, the complement: ODAD3 is on the minus strand). VCF-style: chr19-11434768-C-A. GRCh37 (hg19) VCF-style: chr19-11545589-C-A.
Other names: c.82+922G>T (NM_001302453.1); c.244+5G>T (NM_001302454.2).
Identifiers: ClinVar variation 2991253 (VCV002991253.3), dbSNP rs2512493638, ClinGen allele CA2740091879.
Genomic context (GRCh38, chr19:11,434,768, plus strand): 5'-ACACCATGAAGATTGGATGGGCACTGTTGACCCCTGACCCTCTGTACCCTCTGGAGCCAT[C>A]TTACCTAACAGTTGTATCTTTTTATGTAACTCAGCCACCTGAGAGTGCACAGAGGGCTTC-3'